The following is an entry in ClinVar:

ClinVar aggregate classification (germline): Uncertain significance (1 of 4 stars; one submission).

gnomAD v4.1: 1 of 1,211,321 alleles (0.000083%); highest among the groups gnomAD compares: African/African-American, 0.0017%; no homozygotes.

Submission:

GeneDx
Classification: Uncertain significance. Last evaluated: 2025-06-03. Review status: criteria provided, single submitter. Criteria: GeneDx Variant Classification Process June 2021. Collection method: clinical testing. Allele origin: germline.
Comment: Not observed at significant frequency in large population cohorts (gnomAD); In silico analysis supports that this missense variant has a deleterious effect on protein structure/function; Has not been previously published as pathogenic or benign to our knowledge

NM_153252.5(BRWD3):c.2654G>T (p.Ser885Ile)

Gene: BRWD3 (bromodomain and WD repeat domain containing 3; minus strand). Cytogenetic location: Xq21.1.
Variant type: single nucleotide variant.
Coding change: c.2654G>T on transcript NM_153252.5 (MANE Select); coding-DNA position 2654, G replaced by T.
Protein change: p.Ser885Ile; replaces serine 885 with isoleucine.
Molecular consequence: missense variant.
Genome position (GRCh38, 1-based): chrX:80,704,745, C>A on the plus strand (G>T on the coding strand, the complement: BRWD3 is on the minus strand). VCF-style: chrX-80704745-C-A. GRCh37 (hg19) VCF-style: chrX-79960244-C-A.
Other names: short protein forms S885I.
Identifiers: ClinVar variation 3342984 (VCV003342984.2).